The following is an entry in ClinVar:

NM_000138.5(FBN1):c.7471A>G (p.Thr2491Ala)

Gene: FBN1 (fibrillin 1; minus strand). Cytogenetic location: 15q21.1.
Variant type: single nucleotide variant.
Coding change: c.7471A>G on transcript NM_000138.5 (MANE Select); coding-DNA position 7471, A replaced by G.
Protein change: p.Thr2491Ala; replaces threonine 2491 with alanine.
Molecular consequence: missense variant.
Genome position (GRCh38, 1-based): chr15:48,422,051, T>C on the plus strand (A>G on the coding strand, the complement: FBN1 is on the minus strand). VCF-style: chr15-48422051-T-C. GRCh37 (hg19) VCF-style: chr15-48714248-T-C.
Other names: short protein forms T2491A.
Identifiers: ClinVar variation 921486 (VCV000921486.5), dbSNP rs761602510, ClinGen allele CA058657.

ClinVar aggregate classification (germline): Uncertain significance (1 of 4 stars; one submission).

Conditions:
Familial thoracic aortic aneurysm and aortic dissection (TAAD). Also called: Thoracic aortic aneurysms and dissections. Identifiers: Orphanet 91387, MedGen C4707243, MONDO:0019625.

Allele frequency attached by ClinVar (database versions not stated): gnomAD exomes below 0.00001; TOPMed below 0.00001; ExAC 0.00001.

Submission:

Color Diagnostics, LLC DBA Color Health
Classification: Uncertain significance for Familial thoracic aortic aneurysm and aortic dissection. Last evaluated: 2023-12-05. Review status: criteria provided, single submitter. Criteria: ACMG Guidelines, 2015. Collection method: clinical testing. Allele origin: germline.
Comment: This missense variant replaces threonine with alanine at codon 2491 of the FBN1 protein. Computational prediction tools and conservation analyses are inconclusive regarding the impact of this variant on the protein function. Computational splicing tools suggest that this variant may not impact RNA splicing. To our knowledge, functional assays have not been performed for this variant nor has this variant been reported in individuals affected with cardiovascular disorders in the literature. This variant has been identified in 1/251142 chromosomes in the general population by the Genome Aggregation Database (gnomAD). Available evidence is insufficient to determine the role of this variant in disease conclusively. Therefore, this variant is classified as a Variant of Uncertain Significance.